The following is an entry in ClinVar:

NM_021098.3(CACNA1H):c.2907+3A>T

Gene: CACNA1H (calcium voltage-gated channel subunit alpha1 H; plus strand). Cytogenetic location: 16p13.3.
Variant type: single nucleotide variant.
Coding change: c.2907+3A>T on transcript NM_021098.3 (MANE Select); 3 bases into the intron after coding-DNA position 2907, A replaced by T.
Molecular consequence: intron variant.
Genome position (GRCh38, 1-based): chr16:1,207,121, A>T. VCF-style: chr16-1207121-A-T. GRCh37 (hg19) VCF-style: chr16-1257121-A-T.
Other names: c.2907+3A>T (NM_001005407.2).
Identifiers: ClinVar variation 4857589 (VCV004857589.1).

ClinVar aggregate classification (germline): Pathogenic (1 of 4 stars; one submission).

Conditions:
Hyperaldosteronism, familial, type IV (HALD4). Also called: FH IV; ALDOSTERONISM, PRIMARY, AND HYPERTENSION. Identifiers: Orphanet 642671, MedGen C4310756, MONDO:0014875, OMIM 617027.

Submission:

Laboratory of Molecular Genetics, CHU Rennes
Classification: Pathogenic for Hyperaldosteronism, familial, type IV. Last evaluated: 2026-06-08. Review status: criteria provided, single submitter. Criteria: ACMG Guidelines, 2015. Collection method: clinical testing. Allele origin: unknown. Inheritance: Autosomal dominant inheritance. Affected: yes.
Comment: The NM_021098.3:c.2907+3A>T alters splicing and creates two anormal transcripts : one major with exon 13 (118 bp) skipping and frameshift leading to a premature stop codon (p.Ser930ArgfsX3) and loss of functional domains. And one, minor, with exon 13 (156 bp) and part of intron 14 (61 bp) retention. This second one also leads to a frameshift and loss of protein functional domains.